The following is an entry in ClinVar:

ClinVar aggregate classification (germline): Uncertain significance (1 of 4 stars; one submission).

Conditions:
Autosomal recessive nonsyndromic hearing loss 8 (DFNB8). Also called: NEUROSENSORY NONSYNDROMIC RECESSIVE DEAFNESS 8; Deafness, autosomal recessive 10. Identifiers: Orphanet 90636, MedGen C1832827, MONDO:0010987, OMIM 601072.

Allele frequency attached by ClinVar (database versions not stated): gnomAD exomes 0.00001; gnomAD 0.00002; TOPMed 0.00003.

Submission:

Illumina Laboratory Services, Illumina
Classification: Uncertain significance for Autosomal recessive nonsyndromic hearing loss 8. Last evaluated: 2017-04-27. Review status: criteria provided, single submitter. Criteria: ICSL Variant Classification Criteria 13 December 2019. Collection method: clinical testing. Allele origin: germline.
Comment: This variant was observed as part of a predisposition screen in an ostensibly healthy population. A literature search was performed for the gene, cDNA change, and amino acid change (where applicable). Publications were found based on this search. However, the evidence from the literature, in combination with allele frequency data from public databases where available, was not sufficient to rule this variant in or out of causing disease. Therefore, this variant is classified as a variant of unknown significance.

Literature cited by the submitters: PubMed 24657061; PubMed 25474651.

NM_001256317.3(TMPRSS3):c.1019C>T (p.Thr340Met)

Gene: TMPRSS3 (transmembrane serine protease 3; minus strand). Cytogenetic location: 21q22.3.
Variant type: single nucleotide variant.
Coding change: c.1019C>T on transcript NM_001256317.3 (MANE Select); coding-DNA position 1019, C replaced by T.
Protein change: p.Thr340Met; replaces threonine 340 with methionine.
Molecular consequence: missense variant.
Genome position (GRCh38, 1-based): chr21:42,380,146, G>A on the plus strand (C>T on the coding strand, the complement: TMPRSS3 is on the minus strand). VCF-style: chr21-42380146-G-A. GRCh37 (hg19) VCF-style: chr21-43800255-G-A.
Other names: c.1019C>T, p.Thr340Met (NM_024022.4); c.638C>T, p.Thr213Met (NM_032404.3); short protein forms T213M, T340M.
Identifiers: ClinVar variation 895546 (VCV000895546.4), dbSNP rs200002841, ClinGen allele CA321542132.
Genomic context (GRCh38, chr21:42,380,146, plus strand): 5'-GGACTCCGAATCTTGGCTTCAGCCCACTGACCTCCATCCTCTGTGGCCCCCCATCCTGAC[G>A]TCCAGCACACTTTTCCATCGGGGAAGTTCTCTTCAGAGTTGGGCAGGCACACAGGCTGGA-3'
Protein context (NP_001243246.1, residues 330-350): ENFPDGKVCW[Thr340Met]SGWGATEDGG